The following is an entry in ClinVar:

NM_001042492.3(NF1):c.7970+6T>G

Gene: NF1 (neurofibromin 1; plus strand). Cytogenetic location: 17q11.2.
Variant type: single nucleotide variant.
Coding change: c.7970+6T>G on transcript NM_001042492.3 (MANE Select); 6 bases into the intron after coding-DNA position 7970, T replaced by G.
Molecular consequence: intron variant.
Genome position (GRCh38, 1-based): chr17:31,357,375, T>G. VCF-style: chr17-31357375-T-G. GRCh37 (hg19) VCF-style: chr17-29684393-T-G.
Other names: c.7907+6T>G (NM_000267.4).
Identifiers: ClinVar variation 547699 (VCV000547699.4), dbSNP rs1555536775, ClinGen allele CA658824597.
Genomic context (GRCh38, chr17:31,357,375, plus strand): 5'-TTTATGAATACTTAGCAGAGGCCAGTGTTGTGTTTCCCAAAGTCTTTCCTGTTGTGTAAG[T>G]ATCTCCTTTTGATTTTAATTCACCTTCGTGCCTGTCTTTAAGTTAAATGCTTACCCAGTA-3'

ClinVar aggregate classification (germline): Uncertain significance. Review status: criteria provided, multiple submitters, no conflicts (2 of 4 stars). 2 submissions from 2 submitters: Uncertain significance (2). Last evaluated 2023-11-07.

Conditions:
Neurofibromatosis, type 1 (NF1). Also called: NEUROFIBROMATOSIS, TYPE I, SOMATIC; VON RECKLINGHAUSEN DISEASE; Peripheral type neurofibromatosis; Neurofibromatosis, type I. Identifiers: Orphanet 636, MedGen C0027831, MONDO:0018975, OMIM 162200. Disease mechanism: loss of function.

Submissions (2):

Labcorp Genetics (formerly Invitae), Labcorp
Classification: Uncertain significance for Neurofibromatosis, type 1. Last evaluated: 2023-11-07. Review status: criteria provided, single submitter. Criteria: Invitae Variant Classification Sherloc (09022015). Collection method: clinical testing. Allele origin: germline.
Comment: This sequence change falls in intron 53 of the NF1 gene. It does not directly change the encoded amino acid sequence of the NF1 protein. It affects a nucleotide within the consensus splice site. This variant is not present in population databases (gnomAD no frequency). This variant has not been reported in the literature in individuals affected with NF1-related conditions. ClinVar contains an entry for this variant (Variation ID: 547699). Variants that disrupt the consensus splice site are a relatively common cause of aberrant splicing (PMID: 17576681, 9536098). Algorithms developed to predict the effect of sequence changes on RNA splicing suggest that this variant may disrupt the consensus splice site. In summary, the available evidence is currently insufficient to determine the role of this variant in disease. Therefore, it has been classified as a Variant of Uncertain Significance.

Center for Human Genetics, Inc
Classification: Uncertain significance for Neurofibromatosis, type 1. Last evaluated: 2016-11-01. Review status: criteria provided, single submitter. Criteria: ACMG Guidelines, 2015. Collection method: clinical testing. Allele origin: germline. Affected: yes.

Literature cited by the submitters: PubMed 17576681 (cited by Labcorp Genetics (formerly Invitae), Labcorp); PubMed 9536098 (cited by Labcorp Genetics (formerly Invitae), Labcorp).